The following is an entry in ClinVar:

GRCh37/hg19 22q13.31-13.33(chr22:45130466-51197838)x1

Genes: ACR (acrosin; plus strand), ADM2 (adrenomedullin 2; plus strand), ALG12 (ALG12 alpha-1,6-mannosyltransferase; minus strand), ARHGAP8 (Rho GTPase activating protein 8; plus strand), ARSA (arylsulfatase A; minus strand) and 57 more. Cytogenetic location: 22q13.31-13.33.
Variant type: copy number loss.
Change: copy number 1 (one copy instead of two) of chr22:45,130,466-51,197,838 (6.07 Mb, GRCh37 coordinates, 1-based), cytogenetic band 22q13.31-13.33.
Identifiers: ClinVar variation 4683004 (VCV004683004.1).

ClinVar aggregate classification (germline): Pathogenic (1 of 4 stars; one submission).

Submission:

Quest Diagnostics Nichols Institute San Juan Capistrano
Classification: Pathogenic. Last evaluated: 2024-11-15. Review status: criteria provided, single submitter. Criteria: ACMG/ClinGen CNV Guidelines, 2019. Collection method: clinical testing. Allele origin: unknown.
Comment: This deletion involves at least 60 protein-coding genes, including SHANK3 (OMIM 606230). Haploinsufficiency of SHANK3 is associated with autosomal dominant Phelan-McDermid syndrome (PHMDS; CCID:007842; OMIM 606232; Phelan 2018). There are no similar copy number losses of this region in the general populations of the Database of Genomic Variants. Thus, based on gene content and current medical literature, this copy number variant (CNV) is classified as pathogenic. References: Nevado et al., Front Genet. 2022 Apr 12;13:652454. PMID: 35495150 Nussbaum et al., Pediatr Neurosurg. 2021;56(1):56-60. PMID: 33550291 Phelan, Orphanet J Rare Dis. 2008 May 27;3:14. PMID: 18505557 Phelan et al., GeneReviews [2018 Jun 07]. PMID: 20301377 Sarasua et al., Hum Genet. 2014 Jul;133(7):847-59. PMID: 24481935 Zwanenburg et al., J Neurodev Disord. 2016 Apr 26;8:16. PMID: 27118998